The following is an entry in ClinVar:

ClinVar aggregate classification (germline): Uncertain significance (1 of 4 stars; one submission).

Conditions:
Developmental and epileptic encephalopathy, 79. Also called: EPILEPTIC ENCEPHALOPATHY, EARLY INFANTILE, 79. Identifiers: MedGen C5231410, MONDO:0032813, OMIM 618559.

Submission:

Laboratorio de Genetica e Diagnostico Molecular, Hospital Israelita Albert Einstein
Classification: Uncertain significance for Developmental and epileptic encephalopathy, 79. Last evaluated: 2024-10-29. Review status: criteria provided, single submitter. Criteria: ACMG Guidelines, 2015. Collection method: clinical testing. Allele origin: germline. Affected: yes.
Comment: ACMG classification criteria: PM2 supporting, PP2 supporting

NM_000810.4(GABRA5):c.581A>T (p.Tyr194Phe)

Gene: GABRA5 (gamma-aminobutyric acid type A receptor subunit alpha5; plus strand). Cytogenetic location: 15q12.
Variant type: single nucleotide variant.
Coding change: c.581A>T on transcript NM_000810.4 (MANE Select); coding-DNA position 581, A replaced by T.
Protein change: p.Tyr194Phe; replaces tyrosine 194 with phenylalanine.
Molecular consequence: missense variant.
Genome position (GRCh38, 1-based): chr15:26,937,185, A>T. VCF-style: chr15-26937185-A-T. GRCh37 (hg19) VCF-style: chr15-27182332-A-T.
Other names: c.581A>T, p.Tyr194Phe (NM_001165037.2); short protein forms Y194F.
Identifiers: ClinVar variation 4056503 (VCV004056503.1).